The following is an entry in ClinVar:

NM_025136.4(OPA3):c.503G>A (p.Arg168Gln)

Genes: OPA3 (outer mitochondrial membrane lipid metabolism regulator OPA3; minus strand), OPA3-RTN2 (OPA3-RTN2 readthrough; minus strand). Cytogenetic location: 19q13.32.
Variant type: single nucleotide variant.
Coding change: c.503G>A on transcript NM_025136.4 (MANE Select); coding-DNA position 503, G replaced by A.
Protein change: p.Arg168Gln; replaces arginine 168 with glutamine.
Molecular consequence: missense variant. On other transcripts: intron variant (1).
Genome position (GRCh38, 1-based): chr19:45,553,551, C>T on the plus strand (G>A on the coding strand, the complement: OPA3 is on the minus strand). VCF-style: chr19-45553551-C-T. GRCh37 (hg19) VCF-style: chr19-46056809-C-T.
Other names: c.143-24095G>A (NM_001017989.3); short protein forms R168Q.
Identifiers: ClinVar variation 1313103 (VCV001313103.5), dbSNP rs779505447, ClinGen allele CA9517378.

ClinVar aggregate classification (germline): Uncertain significance. Review status: criteria provided, multiple submitters, no conflicts (2 of 4 stars). 2 submissions from 2 submitters: Uncertain significance (2). Last evaluated 2025-03-17.

Conditions:
Optic atrophy 3 (OPA3). Also called: OPTIC ATROPHY 3, AUTOSOMAL DOMINANT; Optic atrophy, cataract, and neurologic disorder; Optic atrophy 3 with cataract. Identifiers: Orphanet 67036, MedGen C1833809, MONDO:0008133, OMIM 165300.
3-Methylglutaconic aciduria type 3 (MGCA3). Also called: Costeff Syndrome; OPA3, AUTOSOMAL RECESSIVE; OPTIC ATROPHY 3, AUTOSOMAL RECESSIVE; OPA3-Related 3-Methylglutaconic Aciduria. Identifiers: Orphanet 67047, MedGen C0574084, MONDO:0009787, OMIM 258501.

Allele frequency attached by ClinVar (database versions not stated): gnomAD exomes below 0.00001; ExAC 0.00001; gnomAD 0.00001.

Submissions (2):

Labcorp Genetics (formerly Invitae), Labcorp
Classification: Uncertain significance for 3-Methylglutaconic aciduria type 3; Optic atrophy 3. Last evaluated: 2025-03-17. Review status: criteria provided, single submitter. Criteria: Invitae Variant Classification Sherloc (09022015). Collection method: clinical testing. Allele origin: germline.
Comment: This sequence change replaces arginine, which is basic and polar, with glutamine, which is neutral and polar, at codon 168 of the OPA3 protein (p.Arg168Gln). The frequency data for this variant in the population databases is considered unreliable, as metrics indicate poor data quality at this position in the gnomAD database. This variant has not been reported in the literature in individuals affected with OPA3-related conditions. ClinVar contains an entry for this variant (Variation ID: 1313103). An algorithm developed to predict the effect of missense changes on protein structure and function (PolyPhen-2) suggests that this variant is likely to be tolerated. In summary, the available evidence is currently insufficient to determine the role of this variant in disease. Therefore, it has been classified as a Variant of Uncertain Significance.

GeneDx
Classification: Uncertain significance. Last evaluated: 2020-07-10. Review status: criteria provided, single submitter. Criteria: GeneDx Variant Classification Process June 2021. Collection method: clinical testing. Allele origin: germline. Affected: yes.
Comment: Has not been previously published as pathogenic or benign to our knowledge; In silico analysis supports that this missense variant does not alter protein structure/function